The following is an entry in ClinVar:

NM_000183.3(HADHB):c.907G>A (p.Val303Met)

Gene: HADHB (hydroxyacyl-CoA dehydrogenase trifunctional multienzyme complex subunit beta; plus strand). Cytogenetic location: 2p23.3.
Variant type: single nucleotide variant.
Coding change: c.907G>A on transcript NM_000183.3 (MANE Select); coding-DNA position 907, G replaced by A.
Protein change: p.Val303Met; replaces valine 303 with methionine.
Molecular consequence: missense variant.
Genome position (GRCh38, 1-based): chr2:26,280,089, G>A. VCF-style: chr2-26280089-G-A. GRCh37 (hg19) VCF-style: chr2-26502957-G-A.
Other names: c.862G>A, p.Val288Met (NM_001281512.2); c.841G>A, p.Val281Met (NM_001281513.2); short protein forms V281M, V288M, V303M.
Identifiers: ClinVar variation 2650741 (VCV002650741.24), dbSNP rs2465723139, ClinGen allele CA346093915.

ClinVar aggregate classification (germline): Uncertain significance (1 of 4 stars; one submission).

Submission:

CeGaT Center for Human Genetics Tuebingen
Classification: Uncertain significance. Last evaluated: 2022-05-01. Review status: criteria provided, single submitter. Criteria: CeGaT Center For Human Genetics Tuebingen Variant Classification Criteria Version 2. Collection method: clinical testing. Allele origin: germline. Affected: yes. Observed: 1 variant allele.
Comment: HADHB: PM2, PP3